The following is an entry in ClinVar:

NM_005119.4(THRAP3):c.2574C>T (p.Asn858=)

Gene: THRAP3 (thyroid hormone receptor associated protein 3; plus strand). Cytogenetic location: 1p34.3.
Variant type: single nucleotide variant.
Coding change: c.2574C>T on transcript NM_005119.4 (MANE Select); coding-DNA position 2574, C replaced by T.
Protein change: p.Asn858=; no amino-acid change (asparagine 858 retained).
Molecular consequence: synonymous variant.
Genome position (GRCh38, 1-based): chr1:36,301,624, C>T. VCF-style: chr1-36301624-C-T. GRCh37 (hg19) VCF-style: chr1-36767225-C-T.
Other names: c.2574C>T, p.Asn858= (NM_001321471.2); c.2571C>T, p.Asn857= (NM_001321473.2).
Identifiers: ClinVar variation 3772451 (VCV003772451.13).

ClinVar aggregate classification (germline): Likely benign (1 of 4 stars; one submission).

gnomAD v4.1: 19 of 1,614,068 alleles (0.0012%); highest among the groups gnomAD compares: Middle Eastern, 0.017%; no homozygotes.

Submission:

CeGaT Center for Human Genetics Tuebingen
Classification: Likely benign. Last evaluated: 2025-02-01. Review status: criteria provided, single submitter. Criteria: CeGaT Center For Human Genetics Tuebingen Variant Classification Criteria Version 2. Collection method: clinical testing. Allele origin: germline. Affected: yes. Observed: 1 variant allele.
Comment: THRAP3: BP4, BP7